The following is an entry in ClinVar:

NM_144997.7(FLCN):c.140A>G (p.Glu47Gly)

Gene: FLCN (folliculin; minus strand). Cytogenetic location: 17p11.2.
Variant type: single nucleotide variant.
Coding change: c.140A>G on transcript NM_144997.7 (MANE Select); coding-DNA position 140, A replaced by G.
Protein change: p.Glu47Gly; replaces glutamic acid 47 with glycine.
Molecular consequence: missense variant.
Genome position (GRCh38, 1-based): chr17:17,227,998, T>C on the plus strand (A>G on the coding strand, the complement: FLCN is on the minus strand). VCF-style: chr17-17227998-T-C. GRCh37 (hg19) VCF-style: chr17-17131312-T-C.
Other names: c.140A>G, p.Glu47Gly (NM_001353229.2, NM_001353230.2, NM_001353231.2 and 1 more transcripts); short protein forms E47G.
Identifiers: ClinVar variation 5021879 (VCV005021879.1).
Genomic context (GRCh38, chr17:17,227,998, plus strand): 5'-GCCCCCTCTGCGGGGCTGTGCGCACGCATCCGACTGTTCATCTGAATGCCACCTTCCTCT[T>C]CTTCCGCCTGCTCACCCTGGCCAGGACTGTCCTCATTCCCATCCCCTTGAGGAAGTGGGG-3'
Protein context (NP_659434.2, residues 37-57): DSPGQGEQAE[Glu47Gly]EEGGIQMNSR

ClinVar aggregate classification (germline): Uncertain significance (1 of 4 stars; one submission).

Conditions:
Hereditary cancer-predisposing syndrome. Also called: Neoplastic Syndromes, Hereditary; Tumor predisposition; Hereditary neoplastic syndrome; Hereditary Cancer Syndrome. Identifiers: Orphanet 140162, MedGen C0027672, MeSH D009386, MONDO:0015356.

Submission:

Ambry Genetics
Classification: Uncertain significance for Hereditary cancer-predisposing syndrome. Last evaluated: 2026-08-31. Review status: criteria provided, single submitter. Criteria: Ambry Variant Classification Scheme 2023. Collection method: clinical testing. Allele origin: germline.
Comment: The p.E47G variant (also known as c.140A>G), located in coding exon 1 of the FLCN gene, results from an A to G substitution at nucleotide position 140. The glutamic acid at codon 47 is replaced by glycine, an amino acid with similar properties. This amino acid position is conserved. In addition, the in silico prediction for this alteration is inconclusive. Based on the available evidence, the clinical significance of this variant remains unclear.